The following is an entry in ClinVar:

NM_000807.4(GABRA2):c.1088A>G (p.Gln363Arg)

Gene: GABRA2 (gamma-aminobutyric acid type A receptor subunit alpha2; minus strand). Cytogenetic location: 4p12.
Variant type: single nucleotide variant.
Coding change: c.1088A>G on transcript NM_000807.4 (MANE Select); coding-DNA position 1088, A replaced by G.
Protein change: p.Gln363Arg; replaces glutamine 363 with arginine.
Molecular consequence: missense variant.
Genome position (GRCh38, 1-based): chr4:46,250,576, T>C on the plus strand (A>G on the coding strand, the complement: GABRA2 is on the minus strand). VCF-style: chr4-46250576-T-C. GRCh37 (hg19) VCF-style: chr4-46252593-T-C.
Other names: c.1088A>G, p.Gln363Arg (NM_001114175.3, NM_001377146.1, NM_001377147.1 and 4 more transcripts); c.1103A>G, p.Gln368Arg (NM_001286827.3); c.1268A>G, p.Gln423Arg (NM_001330690.2, NM_001377144.1, NM_001377145.1); c.923A>G, p.Gln308Arg (NM_001377152.1, NM_001377153.1, NM_001377154.1); short protein forms Q308R, Q423R, Q368R, Q363R.
Identifiers: ClinVar variation 1348187 (VCV001348187.8), dbSNP rs2109374149, ClinGen allele CA356802837.
Genomic context (GRCh38, chr4:46,250,576, plus strand): 5'-ACTGGATCTTTTGAAAGATTCGGGGCATAATTGGCAACAGCCACTGCATAAGCGTTGTTC[T>C]GTATCATAACGGAAGCCTTTTCTTTTTTCTATTGAAAAATACAAAAATTAACAGAGTGTG-3'
Protein context (NP_000798.2, residues 353-373): KKKEKASVMI[Gln363Arg]NNAYAVAVAN

ClinVar aggregate classification (germline): Uncertain significance (1 of 4 stars; one submission).

Submission:

Labcorp Genetics (formerly Invitae), Labcorp
Classification: Uncertain significance. Last evaluated: 2023-08-04. Review status: criteria provided, single submitter. Criteria: Invitae Variant Classification Sherloc (09022015). Collection method: clinical testing. Allele origin: germline.
Comment: In summary, the available evidence is currently insufficient to determine the role of this variant in disease. Therefore, it has been classified as a Variant of Uncertain Significance. Experimental studies and prediction algorithms are not available or were not evaluated, and the functional significance of this variant is currently unknown. ClinVar contains an entry for this variant (Variation ID: 1348187). This variant has not been reported in the literature in individuals affected with GABRA2-related conditions. This variant is not present in population databases (gnomAD no frequency). This sequence change replaces glutamine, which is neutral and polar, with arginine, which is basic and polar, at codon 423 of the GABRA2 protein (p.Gln423Arg).